The following is an entry in ClinVar:

ClinVar aggregate classification (germline): Uncertain significance (1 of 4 stars; one submission).

Conditions:
Cardiovascular phenotype. Identifiers: MedGen CN230736.

Submission:

Ambry Genetics
Classification: Uncertain significance for Cardiovascular phenotype. Last evaluated: 2021-06-14. Review status: criteria provided, single submitter. Criteria: Ambry Variant Classification Scheme 2023. Collection method: clinical testing. Allele origin: germline.
Comment: The p.D437Y variant (also known as c.1309G>T), located in coding exon 10 of the LAMA4 gene, results from a G to T substitution at nucleotide position 1309. The aspartic acid at codon 437 is replaced by tyrosine, an amino acid with highly dissimilar properties. This amino acid position is well conserved in available vertebrate species. In addition, this alteration is predicted to be tolerated by in silico analysis. Since supporting evidence is limited at this time, the clinical significance of this alteration remains unclear.

NM_001105206.3(LAMA4):c.1330G>T (p.Asp444Tyr)

Gene: LAMA4 (laminin subunit alpha 4; minus strand). Cytogenetic location: 6q21.
Variant type: single nucleotide variant.
Coding change: c.1330G>T on transcript NM_001105206.3 (MANE Select); coding-DNA position 1330, G replaced by T.
Protein change: p.Asp444Tyr; replaces aspartic acid 444 with tyrosine.
Molecular consequence: missense variant.
Genome position (GRCh38, 1-based): chr6:112,175,340, C>A on the plus strand (G>T on the coding strand, the complement: LAMA4 is on the minus strand). VCF-style: chr6-112175340-C-A. GRCh37 (hg19) VCF-style: chr6-112496542-C-A.
Other names: c.1309G>T, p.Asp437Tyr (NM_001105207.3, NM_002290.5); short protein forms D437Y, D444Y.
Identifiers: ClinVar variation 1769599 (VCV001769599.2), dbSNP rs2547115368, ClinGen allele CA365371642.